The following is an entry in ClinVar:

ClinVar aggregate classification (germline): Uncertain significance (1 of 4 stars; one submission).

Conditions:
Long QT syndrome (LQTS). Identifiers: MedGen C0023976, MeSH D008133, MONDO:0002442. Disease mechanism: loss of function. Inheritance: Various modes of inheritance.

Allele frequency attached by ClinVar (database versions not stated): gnomAD exomes below 0.00001.
gnomAD v4.1: 1 of 1,614,094 alleles (0.000062%); highest among the groups gnomAD compares: African/African-American, 0.0013%; no homozygotes.

Submission:

Labcorp Genetics (formerly Invitae), Labcorp
Classification: Uncertain significance for Long QT syndrome. Last evaluated: 2020-08-14. Review status: criteria provided, single submitter. Criteria: Invitae Variant Classification Sherloc (09022015). Collection method: clinical testing. Allele origin: germline.
Comment: This sequence change replaces aspartic acid with glycine at codon 1355 of the ANK2 protein (p.Asp1355Gly). The aspartic acid residue is highly conserved and there is a moderate physicochemical difference between aspartic acid and glycine. This variant is not present in population databases (ExAC no frequency). This variant has not been reported in the literature in individuals with ANK2-related conditions. Algorithms developed to predict the effect of missense changes on protein structure and function are either unavailable or do not agree on the potential impact of this missense change (SIFT: "Deleterious"; PolyPhen-2: "Probably Damaging"; Align-GVGD: "Class C0"). Algorithms developed to predict the effect of sequence changes on RNA splicing suggest that this variant may create or strengthen a splice site, but this prediction has not been confirmed by published transcriptional studies. In summary, the available evidence is currently insufficient to determine the role of this variant in disease. Therefore, it has been classified as a Variant of Uncertain Significance.

NM_001148.6(ANK2):c.4064A>G (p.Asp1355Gly)

Gene: ANK2 (ankyrin 2; plus strand). Cytogenetic location: 4q26.
Variant type: single nucleotide variant.
Coding change: c.4064A>G on transcript NM_001148.6 (MANE Select); coding-DNA position 4064, A replaced by G.
Protein change: p.Asp1355Gly; replaces aspartic acid 1355 with glycine.
Molecular consequence: missense variant.
Genome position (GRCh38, 1-based): chr4:113,341,858, A>G. VCF-style: chr4-113341858-A-G. GRCh37 (hg19) VCF-style: chr4-114263014-A-G.
Other names: c.4037A>G, p.Asp1346Gly (NM_001127493.3); c.4076A>G, p.Asp1359Gly (NM_001354225.2); c.3965A>G, p.Asp1322Gly (NM_001354228.2, NM_001354258.2); c.4043A>G, p.Asp1348Gly (NM_001354230.2); c.4106A>G, p.Asp1369Gly (NM_001354231.2, NM_001354242.2); c.4100A>G, p.Asp1367Gly (NM_001354232.2); c.4061A>G, p.Asp1354Gly (NM_001354235.2, NM_001354246.2, NM_001354265.2); c.3962A>G, p.Asp1321Gly (NM_001354236.2); and 31 more; short protein forms D1194G, D1227G, D1255G, D1260G, D1268G, D1280G, D1284G, D1288G.
Identifiers: ClinVar variation 1022154 (VCV001022154.5), dbSNP rs2094335593, ClinGen allele CA357910081.